The following is an entry in ClinVar:

NM_000428.3(LTBP2):c.1487G>A (p.Gly496Asp)

Gene: LTBP2 (latent transforming growth factor beta binding protein 2; minus strand). Cytogenetic location: 14q24.3.
Variant type: single nucleotide variant.
Coding change: c.1487G>A on transcript NM_000428.3 (MANE Select); coding-DNA position 1487, G replaced by A.
Protein change: p.Gly496Asp; replaces glycine 496 with aspartic acid.
Molecular consequence: missense variant.
Genome position (GRCh38, 1-based): chr14:74,551,263, C>T on the plus strand (G>A on the coding strand, the complement: LTBP2 is on the minus strand). VCF-style: chr14-74551263-C-T. GRCh37 (hg19) VCF-style: chr14-75017966-C-T.
Other names: short protein forms G496D.
Identifiers: ClinVar variation 1307743 (VCV001307743.6), dbSNP rs139904243, ClinGen allele CA7269866.

ClinVar aggregate classification (germline): Uncertain significance. Review status: criteria provided, multiple submitters, no conflicts (2 of 4 stars). 4 submissions from 4 submitters: Uncertain significance (4). Last evaluated 2022-09-02.

Conditions:
Inborn genetic diseases. Identifiers: MedGen C0950123, MeSH D030342.
Glaucoma 3, primary infantile, B. Also called: GLAUCOMA, PRIMARY CONGENITAL, TYPE B; GLC3B; GLC3 type B; Primary congenital glaucoma type 3B; Glaucoma primary congenita type 3B. Identifiers: Orphanet 98976, MedGen C1832977, MONDO:0010968, OMIM 600975.
Microspherophakia and/or megalocornea, with ectopia lentis and with or without secondary glaucoma (MSPKA). Identifiers: Orphanet 238763, MedGen C3538951, MONDO:0009633, OMIM 251750.
Glaucoma 3, primary congenital, D. Identifiers: Orphanet 98976, MedGen C2751316, MONDO:0013122, OMIM 613086.
Weill-Marchesani syndrome 3 (WMS3). Also called: Weill-Marchesani syndrome 3, recessive; LTBP2-Related Weill-Marchesani Syndrome. Identifiers: Orphanet 3449, MedGen C3553785, MONDO:0013899, OMIM 614819.

Allele frequency attached by ClinVar (database versions not stated): ESP Exome Variant Server 0.00023; gnomAD exomes 0.00030 and 0.00064; ExAC 0.00035; gnomAD 0.00046 and 0.00048; TOPMed 0.00051.

Submissions (4):

Labcorp Genetics (formerly Invitae), Labcorp
Classification: Uncertain significance. Last evaluated: 2022-09-02. Review status: criteria provided, single submitter. Criteria: Invitae Variant Classification Sherloc (09022015). Collection method: clinical testing. Allele origin: germline.
Comment: This sequence change replaces glycine, which is neutral and non-polar, with aspartic acid, which is acidic and polar, at codon 496 of the LTBP2 protein (p.Gly496Asp). This variant is present in population databases (rs139904243, gnomAD 0.05%). This variant has not been reported in the literature in individuals affected with LTBP2-related conditions. ClinVar contains an entry for this variant (Variation ID: 1307743). Algorithms developed to predict the effect of missense changes on protein structure and function are either unavailable or do not agree on the potential impact of this missense change (SIFT: "Deleterious"; PolyPhen-2: "Possibly Damaging"; Align-GVGD: "Class C15"). In summary, the available evidence is currently insufficient to determine the role of this variant in disease. Therefore, it has been classified as a Variant of Uncertain Significance.

Fulgent Genetics
Classification: Uncertain significance for Microspherophakia and/or megalocornea, with ectopia lentis and with or without secondary glaucoma; Glaucoma 3, primary infantile, B; Glaucoma 3, primary congenital, D; Weill-Marchesani syndrome 3. Last evaluated: 2021-11-17. Review status: criteria provided, single submitter. Criteria: ACMG Guidelines, 2015. Collection method: clinical testing. Allele origin: unknown.

Ambry Genetics
Classification: Uncertain significance for Inborn genetic diseases. Last evaluated: 2021-08-02. Review status: criteria provided, single submitter. Criteria: Ambry Variant Classification Scheme 2023. Collection method: clinical testing. Allele origin: germline.

GeneDx
Classification: Uncertain significance. Last evaluated: 2019-03-18. Review status: criteria provided, single submitter. Criteria: GeneDx Variant Classification Process June 2021. Collection method: clinical testing. Allele origin: germline. Affected: yes.
Comment: In silico analysis, which includes protein predictors and evolutionary conservation, supports a deleterious effect; Has not been previously published as pathogenic or benign to our knowledge